The following is an entry in ClinVar:

ClinVar aggregate classification (germline): Likely benign. Review status: criteria provided, multiple submitters, no conflicts (2 of 4 stars). 3 submissions from 3 submitters: Likely benign (3). Last evaluated 2025-08-01.

Conditions:
Hereditary cancer-predisposing syndrome. Also called: Hereditary neoplastic syndrome; Tumor predisposition; Neoplastic Syndromes, Hereditary; Hereditary Cancer Syndrome. Identifiers: Orphanet 140162, MedGen C0027672, MeSH D009386, MONDO:0015356.
Ataxia-telangiectasia-like disorder (ATLD). Identifiers: MedGen C1858391, MONDO:0011457.

Allele frequency attached by ClinVar (database versions not stated): gnomAD exomes below 0.00001 and 0.00003; ExAC 0.00001; gnomAD 0.00002; TOPMed 0.00002.
gnomAD v4.1: 45 of 1,613,808 alleles (0.0028%); highest among the groups gnomAD compares: Non-Finnish European, 0.0035%; no homozygotes.

Submissions (3):

CeGaT Center for Human Genetics Tuebingen
Classification: Likely benign. Last evaluated: 2025-08-01. Review status: criteria provided, single submitter. Criteria: CeGaT Center For Human Genetics Tuebingen Variant Classification Criteria Version 2. Collection method: clinical testing. Allele origin: germline. Affected: yes. Observed: 2 variant alleles.
Comment: MRE11: BP4, BP7

Labcorp Genetics (formerly Invitae), Labcorp
Classification: Likely benign for Ataxia-telangiectasia-like disorder. Last evaluated: 2024-04-25. Review status: criteria provided, single submitter. Criteria: Invitae Variant Classification Sherloc (09022015). Collection method: clinical testing. Allele origin: germline.

Ambry Genetics
Classification: Likely benign for Hereditary cancer-predisposing syndrome. Last evaluated: 2015-05-22. Review status: criteria provided, single submitter. Criteria: Ambry Variant Classification Scheme 2023. Collection method: clinical testing. Allele origin: germline.

NM_005591.4(MRE11):c.1191T>C (p.His397=)

Gene: MRE11 (MRE11 double strand break repair nuclease; minus strand). Cytogenetic location: 11q21.
Variant type: single nucleotide variant.
Coding change: c.1191T>C on transcript NM_005591.4 (MANE Select); coding-DNA position 1191, T replaced by C.
Protein change: p.His397=; no amino-acid change (histidine 397 retained).
Molecular consequence: synonymous variant.
Genome position (GRCh38, 1-based): chr11:94,464,147, A>G on the plus strand (T>C on the coding strand, the complement: MRE11 is on the minus strand). VCF-style: chr11-94464147-A-G. GRCh37 (hg19) VCF-style: chr11-94197313-A-G.
Other names: c.1191T>C, p.His397= (NM_001330347.2, NM_005590.4).
Identifiers: ClinVar variation 479715 (VCV000479715.36), dbSNP rs759856523, ClinGen allele CA6235137.